The following is an entry in ClinVar:

NM_000038.6(APC):c.5848A>G (p.Lys1950Glu)

Gene: APC (APC regulator of Wnt signaling pathway; plus strand). Cytogenetic location: 5q22.2.
Variant type: single nucleotide variant.
Coding change: c.5848A>G on transcript NM_000038.6 (MANE Select); coding-DNA position 5848, A replaced by G.
Protein change: p.Lys1950Glu; replaces lysine 1950 with glutamic acid.
Molecular consequence: missense variant.
Genome position (GRCh38, 1-based): chr5:112,841,442, A>G. VCF-style: chr5-112841442-A-G. GRCh37 (hg19) VCF-style: chr5-112177139-A-G.
Other names: c.5848A>G, p.Lys1950Glu (NM_001127510.3, NM_001354895.2, NM_001407450.1); c.5794A>G, p.Lys1932Glu (NM_001127511.3); c.5902A>G, p.Lys1968Glu (NM_001354896.2, NM_001407447.1, NM_001407448.1 and 1 more transcripts); c.5878A>G, p.Lys1960Glu (NM_001354897.2); c.5773A>G, p.Lys1925Glu (NM_001354898.2); c.5764A>G, p.Lys1922Glu (NM_001354899.2); c.5725A>G, p.Lys1909Glu (NM_001354900.2); c.5671A>G, p.Lys1891Glu (NM_001354901.2, NM_001407453.1); and 11 more; short protein forms K1566E, K1849E, K1867E, K1909E, K1922E, K1960E, K1978E, K1667E.
Identifiers: ClinVar variation 1750045 (VCV001750045.2), dbSNP rs751754048, ClinGen allele CA043210.

ClinVar aggregate classification (germline): Uncertain significance (1 of 4 stars; one submission).

Conditions:
Hereditary cancer-predisposing syndrome. Also called: Hereditary Cancer Syndrome; Hereditary neoplastic syndrome; Neoplastic Syndromes, Hereditary; Tumor predisposition. Identifiers: Orphanet 140162, MedGen C0027672, MeSH D009386, MONDO:0015356.

Allele frequency attached by ClinVar (database versions not stated): ExAC 0.00001.

Submission:

Ambry Genetics
Classification: Uncertain significance for Hereditary cancer-predisposing syndrome. Last evaluated: 2021-06-22. Review status: criteria provided, single submitter. Criteria: Ambry Variant Classification Scheme 2023. Collection method: clinical testing. Allele origin: germline.
Comment: The p.K1950E variant (also known as c.5848A>G), located in coding exon 15 of the APC gene, results from an A to G substitution at nucleotide position 5848. The lysine at codon 1950 is replaced by glutamic acid, an amino acid with similar properties. This amino acid position is highly conserved in available vertebrate species. In addition, in silico predictors for this gene do not accurately predict pathogenicity. Since supporting evidence is limited at this time, the clinical significance of this alteration remains unclear.